The following is an entry in ClinVar:

NC_000005.9:g.(?_125904022)_(125905143_?)del

Gene: ALDH7A1 (aldehyde dehydrogenase 7 family member A1; minus strand). Cytogenetic location: 5q23.2.
Variant type: Deletion.
Identifiers: ClinVar variation 2423939 (VCV002423939.3).

ClinVar aggregate classification (germline): Likely pathogenic (1 of 4 stars; one submission).

Conditions:
Pyridoxine-dependent epilepsy (EPEO4). Also called: PYRIDOXINE DEPENDENCY WITH SEIZURES; EPILEPSY, EARLY-ONSET, 4, VITAMIN B6-DEPENDENT; Pyridoxine-Dependent Seizures; Pyridoxine-Dependent Epilepsy - ALDH7A1. Identifiers: Orphanet 3006, MedGen C1849508, MONDO:0009945, OMIM 266100. Disease mechanism: loss of function.

Submission:

Labcorp Genetics (formerly Invitae), Labcorp
Classification: Likely pathogenic for Pyridoxine-dependent epilepsy. Last evaluated: 2023-10-24. Review status: criteria provided, single submitter. Criteria: Invitae Variant Classification Sherloc (09022015). Collection method: clinical testing. Allele origin: germline.
Comment: This variant results in the deletion of part of exon 9 (c.774-1095_800delinsG) of the ALDH7A1 gene. It is expected to disrupt RNA splicing. Variants that disrupt the donor or acceptor splice site typically lead to a loss of protein function (PMID: 16199547), and loss-of-function variants in ALDH7A1 are known to be pathogenic (PMID: 16491085, 20554659). This variant has been observed in individual(s) with clinical features of pyridoxine-dependent epilepsy (PMID: 30043187; Invitae). In summary, the currently available evidence indicates that the variant is pathogenic, but additional data are needed to prove that conclusively. Therefore, this variant has been classified as Likely Pathogenic.

Literature cited by the submitters: PubMed 16199547; PubMed 16491085; PubMed 20554659; PubMed 30043187.